The following is an entry in ClinVar:

NM_024675.4(PALB2):c.226del (p.Ile76fs)

Gene: PALB2 (partner and localizer of BRCA2; minus strand). Cytogenetic location: 16p12.2.
Variant type: Deletion.
Coding change: c.226del on transcript NM_024675.4 (MANE Select); coding-DNA position 226, one base deleted (A; older notation c.226delA).
Protein change: p.Ile76fs; shifts the reading frame from isoleucine 76.
Molecular consequence: frameshift variant.
Genome position (GRCh38, 1-based): chr16:23,636,320, T deleted on the plus strand (A on the coding strand, the reverse complement: PALB2 is on the minus strand); the first of 4 consecutive T bases (chr16:23,636,320-23,636,323); deleting any one gives the same sequence. VCF-style (leftmost placement, unchanged base first): chr16-23636319-AT-A. GRCh37 (hg19) VCF-style: chr16-23647640-AT-A.
Other names: c.226delA (NM_024675.3).
Identifiers: ClinVar variation 142408 (VCV000142408.38), dbSNP rs587782443, ClinGen allele CA294388.
Genomic context (GRCh38, chr16:23,636,319, plus strand): 5'-GTCTTTTCTCCAGTTTCTTCATCAAGATGGGTTTTGATGTGTAACTTGTCATAAACACAT[AT>A]TTTATTTTTAGGTTCTGAGGAGGAAAAAAATGTATATAACTTATATTTTTCTTATAAAAT-3'

ClinVar aggregate classification (germline): Pathogenic/Likely pathogenic. Review status: criteria provided, multiple submitters, no conflicts (2 of 4 stars). 13 submissions from 13 submitters: Pathogenic (11); Likely pathogenic (1). 1 of the submissions does not count toward it. Last evaluated 2026-03-25.

Conditions:
Pancreatic cancer, susceptibility to, 3. Identifiers: Orphanet 1333, MedGen C3150547, MONDO:0013236, OMIM 613348.
Breast cancer, susceptibility to. Identifiers: MedGen C3469522. Disease mechanism: gain of function.
Breast-ovarian cancer, familial, susceptibility to, 5 (BROVCA5). Identifiers: MedGen C5830615, MONDO:0957530, OMIM 620442.
Fanconi anemia complementation group N. Also called: PALB2-Related Fanconi Anemia. Identifiers: Orphanet 84, MedGen C1835817, MONDO:0012565, OMIM 610832. Disease mechanism: loss of function.
Familial cancer of breast. Also called: Hereditary breast cancer; hereditary breast carcinoma; BREAST CANCER, FAMILIAL. Identifiers: Orphanet 227535, MedGen C0346153, MONDO:0016419, OMIM 114480. Disease mechanism: loss of function.
Hereditary cancer-predisposing syndrome. Also called: Neoplastic Syndromes, Hereditary; Tumor predisposition; Hereditary neoplastic syndrome; Hereditary Cancer Syndrome. Identifiers: Orphanet 140162, MedGen C0027672, MeSH D009386, MONDO:0015356.

Submissions (13):

Dasa
Classification: Pathogenic for Breast-ovarian cancer, familial, susceptibility to, 5. Last evaluated: 2026-03-25. Review status: criteria provided, single submitter. Criteria: DASA Assertion Criteria. Collection method: clinical testing. Allele origin: germline.
Comment: NM_024675.4(PALB2):c.226del (p.Ile76Tyrfs*101) is a frameshift variant in PALB2 predicted to alter the reading frame and introduce a premature termination codon and is predicted to result in an absent or altered protein product. Loss of function is an established disease mechanism for PALB2 (PMID: 17200668; PMID: 25099575; PMID: 31841383). The affected residue or protein region has prior evidence supporting clinical relevance. This variant has been reported in individuals with Breast-ovarian cancer, familial, susceptibility to, 5. Also, this variant is rare in population databases. Based on the currently available evidence, this variant is classified as pathogenic.

GeneDx
Classification: Pathogenic. Last evaluated: 2026-01-28. Review status: criteria provided, single submitter. Criteria: GeneDx Variant Classification Process June 2021. Collection method: clinical testing. Allele origin: germline. Affected: yes.
Comment: Frameshift variant predicted to result in protein truncation or nonsense mediated decay in a gene for which loss-of-function is a known mechanism of disease; Truncating variants in this gene are considered pathogenic by a well-established clinical consortium and/or database; Not observed at a significant frequency in large population cohorts (gnomAD); This variant is associated with the following publications: (PMID: 27433846, 26681312, 28152038, 35534704, 31447099, 29922827, 32427313)

Labcorp Genetics (formerly Invitae), Labcorp
Classification: Pathogenic for Familial cancer of breast. Last evaluated: 2026-01-25. Review status: criteria provided, single submitter. Criteria: Invitae Variant Classification Sherloc (09022015). Collection method: clinical testing. Allele origin: germline.
Comment: This sequence change creates a premature translational stop signal (p.Ile76Tyrfs*101) in the PALB2 gene. It is expected to result in an absent or disrupted protein product. Loss-of-function variants in PALB2 are known to be pathogenic (PMID: 17200668, 17200671, 17200672, 24136930, 25099575). This variant is present in population databases (rs587782443, gnomAD 0.007%). This premature translational stop signal has been observed in individual(s) with prostate cancer (PMID: 26681312, 27433846). ClinVar contains an entry for this variant (Variation ID: 142408). For these reasons, this variant has been classified as Pathogenic.

Ambry Genetics
Classification: Pathogenic for Hereditary cancer-predisposing syndrome. Last evaluated: 2025-02-21. Review status: criteria provided, single submitter. Criteria: Ambry Variant Classification Scheme 2023. Collection method: clinical testing. Allele origin: germline.
Comment: The c.226delA pathogenic mutation, located in coding exon 4 of the PALB2 gene, results from a deletion of one nucleotide at nucleotide position 226, causing a translational frameshift with a predicted alternate stop codon (p.I76Yfs*101). This alteration was detected in 3/5054 African American women with breast cancer and 0/4993 unaffected controls (Palmer JR et al. J Natl Cancer Inst, 2020 12;112:1213-1221). This alteration was identified in 1/692 men with metastatic prostate cancer who were unselected for family history of cancer or age at diagnosis (Pritchard CC et al. N Engl J Med, 2016 Aug;375:443-53). In addition to the clinical data presented in the literature, this alteration is expected to result in loss of function by premature protein truncation or nonsense-mediated mRNA decay. As such, this alteration is interpreted as a disease-causing mutation.

Baylor Genetics
Classification: Likely pathogenic for Familial cancer of breast. Last evaluated: 2023-05-22. Review status: criteria provided, single submitter. Criteria: ACMG Guidelines, 2015. Collection method: clinical testing. Allele origin: unknown.

Myriad Genetics, Inc.
Classification: Pathogenic for Familial cancer of breast. Last evaluated: 2023-03-31. Review status: criteria provided, single submitter. Criteria: Myriad Autosomal Dominant, Autosomal Recessive and X-Linked Classification Criteria (2023). Collection method: clinical testing. Allele origin: unknown.
Comment: This variant is considered pathogenic. This variant creates a frameshift predicted to result in premature protein truncation.

Color Diagnostics, LLC DBA Color Health
Classification: Pathogenic for Hereditary cancer-predisposing syndrome. Last evaluated: 2022-12-13. Review status: criteria provided, single submitter. Criteria: ACMG Guidelines, 2015. Collection method: clinical testing. Allele origin: germline.
Comment: This variant deletes 1 nucleotide in exon 4 of the PALB2 gene, creating a frameshift and premature translation stop signal. This variant is expected to result in an absent or non-functional protein product. This variant has been reported in one individual each affected with prostate cancer and referred for cancer panel testing without a personal history of cancer (PMID: 26681312, 27433846). This variant has been identified in 1/244238 chromosomes in the general population by the Genome Aggregation Database (gnomAD). Loss of PALB2 function is a known mechanism of disease. Based on the available evidence, this variant is classified as Pathogenic.

Fulgent Genetics
Classification: Pathogenic for Familial cancer of breast; Fanconi anemia complementation group N; Pancreatic cancer, susceptibility to, 3. Last evaluated: 2022-04-13. Review status: criteria provided, single submitter. Criteria: ACMG Guidelines, 2015. Collection method: clinical testing. Allele origin: unknown.

Human Genome Sequencing Center Clinical Lab, Baylor College of Medicine
Classification: Pathogenic for Susceptibility to breast cancer; Pancreatic cancer susceptibility 3. Last evaluated: 2018-10-08. Review status: criteria provided, single submitter. Criteria: ACMG Guidelines, 2015. Collection method: clinical testing. Allele origin: germline.
Comment: This c.226delA (p.Ile76Tyrfs*101) frameshift variant in the PALB2 gene is predicted to introduce a premature translation termination codon. This variant has been reported in two unrelated cancer patients (PMID 26681312, 27433846). It is absent in general population databases. Mono-allelic loss of function variants in the PALB2 gene has been associated with susceptibility to breast cancer and pancreatic cancer (PMID: 17200668, 24136930, 25099575). Therefore this c.226delA (p.Ile76Tyrfs*101) variant is classified as pathogenic.

Mendelics
Classification: Pathogenic for Hereditary cancer-predisposing syndrome. Last evaluated: 2018-07-02. Review status: criteria provided, single submitter. Criteria: Mendelics Assertion Criteria 2017. Collection method: clinical testing. Allele origin: unknown.

Quest Diagnostics Nichols Institute San Juan Capistrano
Classification: Pathogenic. Last evaluated: 2018-06-13. Review status: criteria provided, single submitter. Criteria: Quest Diagnostics criteria. Collection method: clinical testing. Allele origin: germline.

Juno Genomics, Hangzhou Juno Genomics, Inc
Classification: Pathogenic for Breast-ovarian cancer, familial, susceptibility to, 5. Review status: criteria provided, single submitter. Criteria: ACMG Guidelines, 2015. Collection method: clinical testing. Allele origin: germline.
Comment: Absent from controls (or at extremely low frequency if recessive) in Genome Aggregation Database.;Null variant in a gene where loss of function (LOF) is a known mechanism of disease.;Novel missense change at an amino acid residue where a different missense change determined to be pathogenic has been seen before.

Counsyl
Classification: Likely pathogenic for Familial cancer of breast. Last evaluated: 2015-12-17. Review status: no assertion criteria provided. Collection method: clinical testing. Allele origin: unknown. Not counted in ClinVar's aggregate classification.

Literature cited by the submitters: PubMed 17200668 (cited by Dasa and Labcorp Genetics (formerly Invitae), Labcorp); PubMed 25099575 (cited by Dasa and Labcorp Genetics (formerly Invitae), Labcorp); PubMed 31841383 (cited by Dasa); PubMed 17200671 (cited by Labcorp Genetics (formerly Invitae), Labcorp); PubMed 17200672 (cited by Labcorp Genetics (formerly Invitae), Labcorp); PubMed 24136930 (cited by Labcorp Genetics (formerly Invitae), Labcorp); PubMed 26681312 (cited by Labcorp Genetics (formerly Invitae), Labcorp and Color Diagnostics, LLC DBA Color Health); PubMed 27433846 (cited by 3 submitters); PubMed 32427313 (cited by Ambry Genetics).